The following is an entry in ClinVar:

NM_000419.5(ITGA2B):c.1253del (p.Gly418fs)

Gene: ITGA2B (integrin subunit alpha 2b; minus strand). Cytogenetic location: 17q21.31.
Variant type: Deletion.
Coding change: c.1253del on transcript NM_000419.5 (MANE Select); coding-DNA position 1253, one base deleted (G; older notation c.1253delG).
Protein change: p.Gly418fs; shifts the reading frame from glycine 418.
Molecular consequence: frameshift variant.
Genome position (GRCh38, 1-based): chr17:44,381,019, C deleted on the plus strand (G on the coding strand, the reverse complement: ITGA2B is on the minus strand); the first of 4 consecutive C bases (chr17:44,381,019-44,381,022); deleting any one gives the same sequence. VCF-style (leftmost placement, unchanged base first): chr17-44381018-GC-G. GRCh37 (hg19) VCF-style: chr17-42458386-GC-G.
Other names: short protein forms G418fs.
Identifiers: ClinVar variation 1074062 (VCV001074062.7), dbSNP rs2143465205, ClinGen allele CA2499224662.

ClinVar aggregate classification (germline): Pathogenic (1 of 4 stars; one submission).

Conditions:
Glanzmann thrombasthenia. Also called: BLEEDING DISORDER, PLATELET-TYPE, 2; THROMBASTHENIA OF GLANZMANN AND NAEGELI; PLATELET GLYCOPROTEIN IIb-IIIa DEFICIENCY; Glanzmann's thrombasthenia; Thrombasthenia. Identifiers: Orphanet 849, MedGen C0040015, MONDO:0100326.

Submission:

Labcorp Genetics (formerly Invitae), Labcorp
Classification: Pathogenic for Glanzmann thrombasthenia. Last evaluated: 2020-08-14. Review status: criteria provided, single submitter. Criteria: Invitae Variant Classification Sherloc (09022015). Collection method: clinical testing. Allele origin: germline.
Comment: This sequence change creates a premature translational stop signal (p.Gly418Alafs*13) in the ITGA2B gene. It is expected to result in an absent or disrupted protein product. This variant is not present in population databases (ExAC no frequency). This variant has not been reported in the literature in individuals with ITGA2B-related conditions. Loss-of-function variants in ITGA2B are known to be pathogenic (PMID: 21917754). For these reasons, this variant has been classified as Pathogenic.

Literature cited by the submitters: PubMed 21917754.